The following is an entry in ClinVar:

NM_172364.5(CACNA2D4):c.183C>T (p.Thr61=)

Gene: CACNA2D4 (calcium voltage-gated channel auxiliary subunit alpha2delta 4; minus strand). Cytogenetic location: 12p13.33.
Variant type: single nucleotide variant.
Coding change: c.183C>T on transcript NM_172364.5 (MANE Select); coding-DNA position 183, C replaced by T.
Protein change: p.Thr61=; no amino-acid change (threonine 61 retained).
Molecular consequence: synonymous variant.
Genome position (GRCh38, 1-based): chr12:1,918,291, G>A on the plus strand (C>T on the coding strand, the complement: CACNA2D4 is on the minus strand). VCF-style: chr12-1918291-G-A. GRCh37 (hg19) VCF-style: chr12-2027457-G-A.
Other names: c.183C>T (NM_172364.4).
Identifiers: ClinVar variation 2958483 (VCV002958483.5), dbSNP rs765062687, ClinGen allele CA6387661.

ClinVar aggregate classification (germline): Likely benign. Review status: criteria provided, single submitter (1 of 4 stars). 2 submissions from 2 submitters: Likely benign (1). 1 of the submissions does not count toward it. Last evaluated 2023-11-07.

Conditions:
CACNA2D4-related disorder. Also called: CACNA2D4-related condition.

Allele frequency attached by ClinVar (database versions not stated): TOPMed below 0.00001; gnomAD exomes 0.00001; ExAC 0.00004.
gnomAD v4.1: 11 of 1,610,436 alleles (0.00068%); highest among the groups gnomAD compares: South Asian, 0.012%; no homozygotes.

Submissions (2):

Labcorp Genetics (formerly Invitae), Labcorp
Classification: Likely benign. Last evaluated: 2023-11-07. Review status: criteria provided, single submitter. Criteria: Invitae Variant Classification Sherloc (09022015). Collection method: clinical testing. Allele origin: germline.

PreventionGenetics, part of Exact Sciences
Classification: Likely benign for CACNA2D4-related condition. Last evaluated: 2019-05-28. Review status: no assertion criteria provided. Collection method: clinical testing. Allele origin: germline. Not counted in ClinVar's aggregate classification.
Comment: This variant is classified as likely benign based on ACMG/AMP sequence variant interpretation guidelines (Richards et al. 2015 PMID: 25741868, with internal and published modifications).